The following is an entry in ClinVar:

ClinVar aggregate classification (germline): Likely pathogenic (1 of 4 stars; one submission).

Submission:

GeneDx
Classification: Likely pathogenic. Last evaluated: 2025-06-04. Review status: criteria provided, single submitter. Criteria: GeneDx Variant Classification Process June 2021. Collection method: clinical testing. Allele origin: germline. Affected: yes.
Comment: Not observed at significant frequency in large population cohorts (gnomAD); In silico analysis supports that this missense variant has a deleterious effect on protein structure/function; Has not been previously published as pathogenic or benign to our knowledge

NM_001379403.1(WDR26):c.1352T>C (p.Leu451Pro)

Gene: WDR26 (WD repeat domain 26; minus strand). Cytogenetic location: 1q42.12.
Variant type: single nucleotide variant.
Coding change: c.1352T>C on transcript NM_001379403.1 (MANE Select); coding-DNA position 1352, T replaced by C.
Protein change: p.Leu451Pro; replaces leucine 451 with proline.
Molecular consequence: missense variant.
Genome position (GRCh38, 1-based): chr1:224,411,533, A>G on the plus strand (T>C on the coding strand, the complement: WDR26 is on the minus strand). VCF-style: chr1-224411533-A-G. GRCh37 (hg19) VCF-style: chr1-224599235-A-G.
Other names: c.1004T>C, p.Leu335Pro (NM_001115113.3); c.1052T>C, p.Leu351Pro (NM_025160.7); short protein forms L335P, L351P, L451P.
Identifiers: ClinVar variation 3373148 (VCV003373148.2).